The following is an entry in ClinVar:

NM_016222.4(DDX41):c.598G>A (p.Gly200Ser)

Gene: DDX41 (DEAD-box helicase 41; minus strand). Cytogenetic location: 5q35.3.
Variant type: single nucleotide variant.
Coding change: c.598G>A on transcript NM_016222.4 (MANE Select); coding-DNA position 598, G replaced by A.
Protein change: p.Gly200Ser; replaces glycine 200 with serine.
Molecular consequence: missense variant.
Genome position (GRCh38, 1-based): chr5:177,515,232, C>T on the plus strand (G>A on the coding strand, the complement: DDX41 is on the minus strand). VCF-style: chr5-177515232-C-T. GRCh37 (hg19) VCF-style: chr5-176942233-C-T.
Other names: c.220G>A, p.Gly74Ser (NM_001321732.2, NM_001321830.2); short protein forms G200S, G74S.
Identifiers: ClinVar variation 4010303 (VCV004010303.1).

ClinVar aggregate classification (germline): Uncertain significance (1 of 4 stars; one submission).

Conditions:
Inborn genetic diseases. Identifiers: MedGen C0950123, MeSH D030342.

Submission:

Ambry Genetics
Classification: Uncertain significance for Inborn genetic diseases. Last evaluated: 2025-04-06. Review status: criteria provided, single submitter. Criteria: Ambry Variant Classification Scheme 2023. Collection method: clinical testing. Allele origin: germline.
Comment: The p.G200S variant (also known as c.598G>A), located in coding exon 7 of the DDX41 gene, results from a G to A substitution at nucleotide position 598. The glycine at codon 200 is replaced by serine, an amino acid with similar properties. This amino acid position is conserved. In addition, the in silico prediction for this alteration is inconclusive. Based on the available evidence, the clinical significance of this variant remains unclear.